The following is an entry in ClinVar:

ClinVar aggregate classification (germline): Pathogenic. Review status: criteria provided, multiple submitters, no conflicts (2 of 4 stars). 4 submissions from 4 submitters: Pathogenic (4). Last evaluated 2026-01-05.

Conditions:
Hereditary cancer-predisposing syndrome. Also called: Hereditary Cancer Syndrome; Neoplastic Syndromes, Hereditary; Hereditary neoplastic syndrome; Tumor predisposition. Identifiers: Orphanet 140162, MedGen C0027672, MeSH D009386, MONDO:0015356.
Hereditary nonpolyposis colorectal neoplasms. Identifiers: MedGen C0009405, MeSH D003123.
Lynch syndrome 5 (LYNCH5). Also called: Hereditary non-polyposis colorectal cancer, type 5; Colorectal cancer, hereditary nonpolyposis, type 5. Identifiers: Orphanet 144, MedGen C1833477, MONDO:0013710, OMIM 614350. Disease mechanism: loss of function.

Submissions (4):

Labcorp Genetics (formerly Invitae), Labcorp
Classification: Pathogenic for Hereditary nonpolyposis colorectal neoplasms. Last evaluated: 2026-01-05. Review status: criteria provided, single submitter. Criteria: Invitae Variant Classification Sherloc (09022015). Collection method: clinical testing. Allele origin: germline.
Comment: This sequence change creates a premature translational stop signal (p.Ser602Lysfs*4) in the MSH6 gene. It is expected to result in an absent or disrupted protein product. Loss-of-function variants in MSH6 are known to be pathogenic (PMID: 18269114, 24362816). This variant is not present in population databases (gnomAD no frequency). This premature translational stop signal has been observed in individual(s) with MSH6-related conditions (PMID: 20487569, 26517685). This variant is also known as c.1404_1405delTC. For these reasons, this variant has been classified as Pathogenic.

Color Diagnostics, LLC DBA Color Health
Classification: Pathogenic for Hereditary cancer-predisposing syndrome. Last evaluated: 2025-09-22. Review status: criteria provided, single submitter. Criteria: ACMG Guidelines, 2015. Collection method: clinical testing. Allele origin: germline.
Comment: This variant deletes 2 nucleotides in exon 4 of the MSH6 gene, creating a frameshift and premature translation stop signal. This variant is expected to result in an absent or non-functional protein product. Tthis variant has been reported in individuals affected with endometrial cancer and/or diagnosed with Lynch syndrome (PMID: 26517685, 27064304, 37663290, 38722212, 40469174). This variant has not been identified in the general population by the Genome Aggregation Database (gnomAD). Loss of MSH6 function is a known mechanism of disease. Based on the available evidence, this variant is classified as Pathogenic.

Ambry Genetics
Classification: Pathogenic for Hereditary cancer-predisposing syndrome. Last evaluated: 2025-06-18. Review status: criteria provided, single submitter. Criteria: Ambry Variant Classification Scheme 2023. Collection method: clinical testing. Allele origin: germline.
Comment: The c.1804_1805delTC pathogenic mutation, located in coding exon 4 of the MSH6 gene, results from a deletion of two nucleotides at nucleotide positions 1804 to 1805, causing a translational frameshift with a predicted alternate stop codon (p.S602Kfs*4). This variant was detected in one individual with Lynch syndrome who was diagnosed with endometrial cancer, breast cancer, and tumor results demonstrated loss of MSH6 protein expression on immunohistochemistry (IHC) (Talseth-Palmer BA, et al. Hered Cancer Clin Pract 2010;8(1):5). This variant is considered to be rare based on population cohorts in the Genome Aggregation Database (gnomAD). In addition to the clinical data presented in the literature, this alteration is expected to result in loss of function by premature protein truncation or nonsense-mediated mRNA decay. As such, this alteration is interpreted as a disease-causing mutation.

Myriad Genetics, Inc.
Classification: Pathogenic for Lynch syndrome 5. Last evaluated: 2023-08-15. Review status: criteria provided, single submitter. Criteria: Myriad Autosomal Dominant, Autosomal Recessive and X-Linked Classification Criteria (2023). Collection method: clinical testing. Allele origin: unknown.
Comment: This variant is considered pathogenic. This variant creates a frameshift predicted to result in premature protein truncation.

Literature cited by the submitters: PubMed 18269114 (cited by Labcorp Genetics (formerly Invitae), Labcorp); PubMed 24362816 (cited by Labcorp Genetics (formerly Invitae), Labcorp); PubMed 20487569 (cited by Labcorp Genetics (formerly Invitae), Labcorp and Ambry Genetics); PubMed 26517685 (cited by 3 submitters); PubMed 27064304 (cited by Color Diagnostics, LLC DBA Color Health); PubMed 37663290 (cited by Color Diagnostics, LLC DBA Color Health); PubMed 38722212 (cited by Color Diagnostics, LLC DBA Color Health); PubMed 40469174 (cited by Color Diagnostics, LLC DBA Color Health).

NM_000179.3(MSH6):c.1804_1805del (p.Ser602fs)

Gene: MSH6 (mutS homolog 6; plus strand). Cytogenetic location: 2p16.3.
Variant type: Microsatellite.
Coding change: c.1804_1805del on transcript NM_000179.3 (MANE Select); coding-DNA positions 1804 to 1805, 2 bases deleted (TC; older notation c.1804_1805delTC).
Protein change: p.Ser602fs; shifts the reading frame from serine 602.
Molecular consequence: frameshift variant.
Genome position (GRCh38, 1-based): chr2:47,799,787-47,799,788, TC deleted; deleting any 2 consecutive bases within chr2:47,799,783-47,799,788 gives the same sequence; the c. name uses the placement nearest the transcript's 3' end. VCF-style (leftmost placement, unchanged base first): chr2-47799782-ATC-A. GRCh37 (hg19) VCF-style: chr2-48026921-ATC-A.
Other names: c.1414_1415del, p.Ser472fs (NM_001281492.2); c.898_899del, p.Ser300fs (NM_001281493.2, NM_001281494.2); c.1804_1805delTC (NM_000179.2); short protein forms S300fs, S472fs, S602fs.
Identifiers: ClinVar variation 428394 (VCV000428394.11), dbSNP rs1114167766, ClinGen allele CA645369236.